The following is an entry in ClinVar:

ClinVar aggregate classification (germline): Likely pathogenic (1 of 4 stars; one submission).

Conditions:
Marfan Syndrome/Loeys-Dietz Syndrome/Familial Thoracic Aortic Aneurysms and Dissections. Identifiers: MedGen CN229799.

Submission:

Women's Health and Genetics/Laboratory Corporation of America, LabCorp
Classification: Likely pathogenic for Marfan Syndrome/Loeys-Dietz Syndrome/Familial Thoracic Aortic Aneurysms and Dissections. Last evaluated: 2024-04-08. Review status: criteria provided, single submitter. Criteria: LabCorp Variant Classification Summary - May 2015. Collection method: clinical testing. Allele origin: germline.
Comment: Variant summary: FBN1 c.3713-10_3713-1delinsAA is located in a canonical splice-site and is predicted to affect mRNA splicing resulting in a significantly altered protein due to either exon skipping, shortening, or inclusion of intronic material. To our knowledge, no occurrence of c.3713-10_3713-1delinsAA in individuals affected with Marfan Syndrome and no experimental evidence demonstrating its impact on protein function have been reported. No submitters have cited clinical-significance assessments for this variant to ClinVar. Based on the evidence outlined above, the variant was classified as likely pathogenic.

NM_000138.5(FBN1):c.3713-10_3713-1delinsAA

Gene: FBN1 (fibrillin 1; minus strand). Cytogenetic location: 15q21.1.
Variant type: Indel.
Coding change: c.3713-10_3713-1delinsAA on transcript NM_000138.5 (MANE Select); 10 bases into the intron before coding-DNA position 3713 through the canonical splice acceptor site of the intron before coding-DNA position 3713, TTCTTTGCAG replaced by AA.
Molecular consequence: splice acceptor variant.
Genome position (GRCh38, 1-based): chr15:48,483,944-48,483,953, CTGCAAAGAA replaced by TT on the plus strand (TTCTTTGCAG replaced by AA on the coding strand, the reverse complement: FBN1 is on the minus strand). VCF-style: chr15-48483944-CTGCAAAGAA-TT. GRCh37 (hg19) VCF-style: chr15-48776141-CTGCAAAGAA-TT.
Other names: c.3713-10_3713-1delinsAA (NM_001406716.1).
Identifiers: ClinVar variation 3251459 (VCV003251459.1), dbSNP rs2505541319.